The following is an entry in ClinVar:

NM_206937.2(LIG4):c.1288A>T (p.Met430Leu)

Gene: LIG4 (DNA ligase 4; minus strand). Cytogenetic location: 13q33.3.
Variant type: single nucleotide variant.
Coding change: c.1288A>T on transcript NM_206937.2 (MANE Select); coding-DNA position 1288, A replaced by T.
Protein change: p.Met430Leu; replaces methionine 430 with leucine.
Molecular consequence: missense variant.
Genome position (GRCh38, 1-based): chr13:108,209,981, T>A on the plus strand (A>T on the coding strand, the complement: LIG4 is on the minus strand). VCF-style: chr13-108209981-T-A. GRCh37 (hg19) VCF-style: chr13-108862329-T-A.
Other names: p.Met430Leu; c.1288A>T, p.Met430Leu (NM_001098268.2, NM_001352598.2, NM_002312.3 and 6 more transcripts); c.1087A>T, p.Met363Leu (NM_001330595.2); c.1324A>T, p.Met442Leu (NM_001352604.2); short protein forms M430L, M363L, M442L.
Identifiers: ClinVar variation 950260 (VCV000950260.12), dbSNP rs143618179, ClinGen allele CA7043714.
Genomic context (GRCh38, chr13:108,209,981, plus strand): 5'-TTTTTAACCACCCTTCACCTCTTTTGTCTGGCTTGTAGATGGATAGAGGTTGTTTTACCA[T>A]AATTCCCTCTTCTCTTTTATCTATTGCTTCATTCAATGCATCAATTACTTCATTCTTAGT-3'
Protein context (NP_996820.1, residues 420-440): EAIDKREEGI[Met430Leu]VKQPLSIYKP

ClinVar aggregate classification (germline): Conflicting classifications of pathogenicity. Review status: criteria provided, conflicting classifications (1 of 4 stars). 4 submissions from 4 submitters: Uncertain significance (2); Likely benign (2). Last evaluated 2026-02-05.

Conditions:
DNA ligase IV deficiency. Identifiers: Orphanet 99812, MedGen C1847827, MONDO:0011686, OMIM 606593.

Allele frequency attached by ClinVar (database versions not stated): gnomAD exomes 0.00004 and 0.00012; ExAC 0.00014; 1000 Genomes Project 30x 0.00016; 1000 Genomes Project 0.00020; gnomAD 0.00048 and 0.00053; TOPMed 0.00050; ESP Exome Variant Server 0.00054.
gnomAD v4.1: 140 of 1,612,932 alleles (0.0087%); highest among the groups gnomAD compares: African/African-American, 0.17%; 1 homozygote.

Submissions (4):

Women's Health and Genetics/Laboratory Corporation of America, LabCorp
Classification: Likely benign. Last evaluated: 2026-02-05. Review status: criteria provided, single submitter. Criteria: LabCorp Variant Classification Summary - May 2015. Collection method: clinical testing. Allele origin: germline.
Comment: Variant summary: LIG4 c.1288A>T (p.Met430Leu) results in a conservative amino acid change in the encoded protein sequence. Algorithms developed to predict the effect of missense changes on protein structure and function are either unavailable or do not agree on the potential impact of this missense change. The variant allele was found at a frequency of 0.00012 in 250400 control chromosomes, predominantly at a frequency of 0.0015 within the African or African-American subpopulation in the gnomAD database. The observed variant frequency within African or African-American control individuals in the gnomAD database exceeds the estimated maximal expected allele frequency for disease-causing variants in LIG4. To our knowledge, no occurrence of c.1288A>T in individuals affected with LIG4-related conditions and no experimental evidence demonstrating its impact on protein function have been reported. ClinVar contains an entry for this variant (Variation ID: 950260). Based on the evidence outlined above, the variant was classified as likely benign.

Labcorp Genetics (formerly Invitae), Labcorp
Classification: Likely benign for DNA ligase IV deficiency. Last evaluated: 2026-02-01. Review status: criteria provided, single submitter. Criteria: Invitae Variant Classification Sherloc (09022015). Collection method: clinical testing. Allele origin: germline.

GeneDx
Classification: Uncertain significance. Last evaluated: 2024-09-26. Review status: criteria provided, single submitter. Criteria: GeneDx Variant Classification Process June 2021. Collection method: clinical testing. Allele origin: germline. Affected: yes.
Comment: In silico analysis indicates that this missense variant does not alter protein structure/function; Has not been previously published as pathogenic or benign to our knowledge

Mayo Clinic Laboratories, Mayo Clinic
Classification: Uncertain significance. Last evaluated: 2024-06-18. Review status: criteria provided, single submitter. Criteria: ACMG Guidelines, 2015. Collection method: clinical testing. Allele origin: germline. Observed: 1 variant allele.
Comment: BS1